The following is an entry in ClinVar:

NM_002602.4(PDE6G):c.*316G>A

Gene: PDE6G (phosphodiesterase 6G; minus strand). Cytogenetic location: 17q25.3.
Variant type: single nucleotide variant.
Coding change: c.*316G>A on transcript NM_002602.4 (MANE Select); 316 bases downstream of the stop codon, G replaced by A.
Molecular consequence: 3 prime UTR variant. On other transcripts: non-coding transcript variant (2).
Genome position (GRCh38, 1-based): chr17:81,650,758, C>T on the plus strand (G>A on the coding strand, the complement: PDE6G is on the minus strand). VCF-style: chr17-81650758-C-T. GRCh37 (hg19) VCF-style: chr17-79617788-C-T.
Other names: c.*316G>A (NM_001365724.1, NM_001365725.1).
Identifiers: ClinVar variation 325856 (VCV000325856.6), dbSNP rs60909116, ClinGen allele CA8838935.

ClinVar aggregate classification (germline): Benign. Review status: criteria provided, multiple submitters, no conflicts (2 of 4 stars). 2 submissions from 2 submitters: Benign (2). Last evaluated 2018-01-12.

Conditions:
Retinitis pigmentosa (RP). Identifiers: Orphanet 791, MedGen C0035334, MeSH D012174, MONDO:0019200, OMIM 268000. Inheritance: Autosomal dominant, autosomal recessive and X linked inheritance.

Allele frequency attached by ClinVar (database versions not stated): gnomAD 0.04048; gnomAD exomes 0.04493 and 0.05005; ExAC 0.05067; TOPMed 0.05077; 1000 Genomes Project 30x 0.08089; 1000 Genomes Project 0.08347.

Submissions (2):

Illumina Laboratory Services, Illumina
Classification: Benign for Retinitis pigmentosa. Last evaluated: 2018-01-12. Review status: criteria provided, single submitter. Criteria: ICSL Variant Classification Criteria 13 December 2019. Collection method: clinical testing. Allele origin: germline.
Comment: This variant was observed in the ICSL laboratory as part of a predisposition screen in an ostensibly healthy population. It had not been previously curated by ICSL or reported in the Human Gene Mutation Database (HGMD: prior to June 1st, 2018), and was therefore a candidate for classification through an automated scoring system. Utilizing variant allele frequency, disease prevalence and penetrance estimates, and inheritance mode, an automated score was calculated to assess if this variant is too frequent to cause the disease. Based on the score and internal cut-off values, a variant classified as benign is not then subjected to further curation. The score for this variant resulted in a classification of benign for this disease.

Breakthrough Genomics
Classification: Benign. Review status: criteria provided, single submitter. Criteria: ACMG Guidelines, 2015. Collection method: not provided. Allele origin: germline. Inheritance: Autosomal recessive inheritance. Affected: yes.